The following is an entry in ClinVar:

ClinVar aggregate classification (germline): Uncertain significance. Review status: criteria provided, multiple submitters, no conflicts (2 of 4 stars). 2 submissions from 2 submitters: Uncertain significance (2). Last evaluated 2019-09-02.

Conditions:
Hereditary nonpolyposis colorectal neoplasms. Identifiers: MedGen C0009405, MeSH D003123.
Hereditary cancer-predisposing syndrome. Also called: Tumor predisposition; Hereditary Cancer Syndrome; Neoplastic Syndromes, Hereditary; Hereditary neoplastic syndrome. Identifiers: Orphanet 140162, MedGen C0027672, MeSH D009386, MONDO:0015356.

Submissions (2):

Labcorp Genetics (formerly Invitae), Labcorp
Classification: Uncertain significance for Hereditary nonpolyposis colorectal neoplasms. Last evaluated: 2019-09-02. Review status: criteria provided, single submitter. Criteria: Invitae Variant Classification Sherloc (09022015). Collection method: clinical testing. Allele origin: germline.
Comment: This variant is not present in population databases (ExAC no frequency). In summary, the available evidence is currently insufficient to determine the role of this variant in disease. Therefore, it has been classified as a Variant of Uncertain Significance. Algorithms developed to predict the effect of missense changes on protein structure and function (SIFT, PolyPhen-2, Align-GVGD) all suggest that this variant is likely to be tolerated, but these predictions have not been confirmed by published functional studies and their clinical significance is uncertain. This variant has not been reported in the literature in individuals with MSH6-related conditions. This sequence change replaces cysteine with serine at codon 88 of the MSH6 protein (p.Cys88Ser). The cysteine residue is weakly conserved and there is a moderate physicochemical difference between cysteine and serine.

Ambry Genetics
Classification: Uncertain significance for Hereditary cancer-predisposing syndrome. Last evaluated: 2019-05-14. Review status: criteria provided, single submitter. Criteria: Ambry Autosomal Dominant and X-Linked criteria (3/2017). Collection method: clinical testing. Allele origin: germline. Observed: 1 variant allele.
Comment: There is insufficient or conflicting evidence for classification of this alteration.

NM_000179.3(MSH6):c.262T>A (p.Cys88Ser)

Gene: MSH6 (mutS homolog 6; plus strand). Cytogenetic location: 2p16.3.
Variant type: single nucleotide variant.
Coding change: c.262T>A on transcript NM_000179.3 (MANE Select); coding-DNA position 262, T replaced by A.
Protein change: p.Cys88Ser; replaces cysteine 88 with serine.
Molecular consequence: missense variant. On other transcripts: 5 prime UTR variant (2), intron variant (1).
Genome position (GRCh38, 1-based): chr2:47,790,928, T>A. VCF-style: chr2-47790928-T-A. GRCh37 (hg19) VCF-style: chr2-48018067-T-A.
Other names: c.-475T>A (NM_001281493.2); c.-641T>A (NM_001281494.2); c.237+7458T>A (NM_001281492.2); short protein forms C88S.
Identifiers: ClinVar variation 821608 (VCV000821608.12), dbSNP rs1572708527, ClinGen allele CA346736428.